The following is an entry in ClinVar:

NM_007194.4(CHEK2):c.793-14del

Gene: CHEK2 (checkpoint kinase 2; minus strand). Cytogenetic location: 22q12.1.
Variant type: Deletion.
Coding change: c.793-14del on transcript NM_007194.4 (MANE Select); 14 bases into the intron before coding-DNA position 793, one base deleted (T; older notation c.793-14delT).
Molecular consequence: intron variant.
Genome position (GRCh38, 1-based): chr22:28,710,073, A deleted on the plus strand (T on the coding strand, the reverse complement: CHEK2 is on the minus strand); the first of 2 consecutive A bases (chr22:28,710,073-28,710,074); deleting either gives the same sequence. VCF-style (leftmost placement, unchanged base first): chr22-28710072-GA-G. GRCh37 (hg19) VCF-style: chr22-29106060-GA-G.
Other names: c.130-14del (NM_001437942.1, NM_001257387.3); c.592-14del (NM_001349956.3); c.793-14del (NM_145862.3); c.886-14del (NM_001438295.1, NM_001438293.1); c.922-14del (NM_001438294.1, NM_001005735.3).
Identifiers: ClinVar variation 3772943 (VCV003772943.1).

ClinVar aggregate classification (germline): Likely benign (1 of 4 stars; one submission).

Conditions:
Familial cancer of breast. Also called: Hereditary breast cancer; BREAST CANCER, FAMILIAL; hereditary breast carcinoma. Identifiers: Orphanet 227535, MedGen C0346153, MONDO:0016419, OMIM 114480. Disease mechanism: loss of function.

Submission:

Myriad Genetics, Inc.
Classification: Likely benign for Familial cancer of breast. Last evaluated: 2024-10-03. Review status: criteria provided, single submitter. Criteria: Myriad Autosomal Dominant, Autosomal Recessive and X-Linked Classification Criteria (2023). Collection method: clinical testing. Allele origin: unknown.
Comment: This variant is considered likely benign. This variant is intronic and is not expected to impact mRNA splicing.